The following is an entry in ClinVar:

NM_001127222.2(CACNA1A):c.3442A>T (p.Asn1148Tyr)

Gene: CACNA1A (calcium voltage-gated channel subunit alpha1 A; minus strand). Cytogenetic location: 19p13.13.
Variant type: single nucleotide variant.
Coding change: c.3442A>T on transcript NM_001127222.2 (MANE Select); coding-DNA position 3442, A replaced by T.
Protein change: p.Asn1148Tyr; replaces asparagine 1148 with tyrosine.
Molecular consequence: missense variant.
Genome position (GRCh38, 1-based): chr19:13,286,614, T>A on the plus strand (A>T on the coding strand, the complement: CACNA1A is on the minus strand). VCF-style: chr19-13286614-T-A. GRCh37 (hg19) VCF-style: chr19-13397428-T-A.
Other names: c.3454A>T, p.Asn1152Tyr (NM_000068.4, NM_023035.3); c.3445A>T, p.Asn1149Tyr (NM_001127221.2, NM_001174080.2); short protein forms N1152Y, N1148Y, N1149Y.
Identifiers: ClinVar variation 2229009 (VCV002229009.2), dbSNP rs2512856462, ClinGen allele CA404341364.

ClinVar aggregate classification (germline): Uncertain significance (1 of 4 stars; one submission).

Conditions:
Inborn genetic diseases. Identifiers: MedGen C0950123, MeSH D030342.

Submission:

Ambry Genetics
Classification: Uncertain significance for Inborn genetic diseases. Last evaluated: 2021-01-11. Review status: criteria provided, single submitter. Criteria: Ambry Variant Classification Scheme 2023. Collection method: clinical testing. Allele origin: germline.
Comment: The c.3445A>T (p.N1149Y) alteration is located in exon 20 (coding exon 20) of the CACNA1A gene. This alteration results from a A to T substitution at nucleotide position 3445, causing the asparagine (N) at amino acid position 1149 to be replaced by a tyrosine (Y). The p.N1149Y alteration is predicted to be tolerated by in silico analysis. Based on insufficient or conflicting evidence, the clinical significance of this alteration remains unclear.